The following is an entry in ClinVar:

ClinVar aggregate classification (germline): Likely benign (0 of 4 stars; one submission).

Conditions:
PKD1L1-related disorder. Also called: PKD1L1-related condition.

Allele frequency attached by ClinVar (database versions not stated): gnomAD 0.00002; TOPMed 0.00002.
gnomAD v4.1: 8 of 1,614,096 alleles (0.0005%); highest among the groups gnomAD compares: African/African-American, 0.008%; no homozygotes.

Submission:

PreventionGenetics, part of Exact Sciences
Classification: Likely benign for PKD1L1-related condition. Last evaluated: 2021-09-17. Review status: no assertion criteria provided. Collection method: clinical testing. Allele origin: germline.
Comment: This variant is classified as likely benign based on ACMG/AMP sequence variant interpretation guidelines (Richards et al. 2015 PMID: 25741868, with internal and published modifications).

NM_138295.5(PKD1L1):c.7047G>A (p.Leu2349=)

Genes: PKD1L1 (polycystin 1 like 1, transient receptor potential channel interacting; minus strand), PKD1L1-AS1 (PKD1L1 antisense RNA 1; plus strand). Cytogenetic location: 7p12.3.
Variant type: single nucleotide variant.
Coding change: c.7047G>A on transcript NM_138295.5 (MANE Select); coding-DNA position 7047, G replaced by A.
Protein change: p.Leu2349=; no amino-acid change (leucine 2349 retained).
Molecular consequence: synonymous variant.
Genome position (GRCh38, 1-based): chr7:47,815,376, C>T on the plus strand (G>A on the coding strand, the complement: PKD1L1 is on the minus strand). VCF-style: chr7-47815376-C-T. GRCh37 (hg19) VCF-style: chr7-47854974-C-T.
Identifiers: ClinVar variation 3029463 (VCV003029463.2), dbSNP rs945567963, ClinGen allele CA158087569.